The following is an entry in ClinVar:

NM_007294.4(BRCA1):c.4195del (p.Thr1399fs)

Gene: BRCA1 (BRCA1 DNA repair associated; minus strand). Cytogenetic location: 17q21.31.
Variant type: Deletion.
Coding change: c.4195del on transcript NM_007294.4 (MANE Select); coding-DNA position 4195, one base deleted (A; older notation c.4195delA).
Protein change: p.Thr1399fs; shifts the reading frame from threonine 1399.
Molecular consequence: frameshift variant. On other transcripts: non-coding transcript variant (1).
Genome position (GRCh38, 1-based): chr17:43,082,566, T deleted on the plus strand (A on the coding strand, the reverse complement: BRCA1 is on the minus strand). VCF-style (leftmost placement, unchanged base first): chr17-43082565-GT-G. GRCh37 (hg19) VCF-style: chr17-41234582-GT-G.
Other names: c.4195delA, p.Thr1399Profs (NM_001407598.1, NM_001407602.1, NM_001407603.1 and 23 more transcripts); c.4192delA, p.Thr1398Profs (NM_001407610.1, NM_001407611.1, NM_001407614.1 and 21 more transcripts); c.3982delA, p.Thr1328Profs (NM_001407571.1, NM_001407853.1, NM_001407894.1 and 12 more transcripts); c.4189delA, p.Thr1397Profs (NM_001407627.1, NM_001407628.1, NM_001407629.1 and 5 more transcripts); c.4183delA, p.Thr1395Profs (NM_001407646.1, NM_001407647.1); c.4072delA, p.Thr1358Profs (NM_001407648.1, NM_001407664.1, NM_001407665.1 and 13 more transcripts); c.4069delA, p.Thr1357Profs (NM_001407649.1, NM_001407670.1, NM_001407671.1 and 12 more transcripts); c.4117delA, p.Thr1373Profs (NM_001407653.1, NM_001407654.1, NM_001407655.1 and 2 more transcripts); and 55 more; short protein forms T1399fs, T296fs, T1352fs.
Identifiers: ClinVar variation 578874 (VCV000578874.9), dbSNP rs1567783654, ClinGen allele CA891844427.

ClinVar aggregate classification (germline): Pathogenic. Review status: criteria provided, multiple submitters, no conflicts (2 of 4 stars). 3 submissions from 3 submitters: Pathogenic (3). Last evaluated 2024-05-14.

Conditions:
Hereditary breast ovarian cancer syndrome. Also called: Hereditary breast and ovarian cancer syndrome; Hereditary breast and ovarian cancer syndrome (HBOC); BRCA1- and BRCA2-Associated Hereditary Breast and Ovarian Cancer; Hereditary breast and/or ovarian cancer syndrome; Hereditary breast and ovarian cancer; Breast and ovarian cancer. Identifiers: Orphanet 145, MedGen C0677776, MeSH D061325, MONDO:0003582. Disease mechanism: loss of function.
Hereditary cancer-predisposing syndrome. Also called: Neoplastic Syndromes, Hereditary; Tumor predisposition; Hereditary neoplastic syndrome; Hereditary Cancer Syndrome. Identifiers: Orphanet 140162, MedGen C0027672, MeSH D009386, MONDO:0015356.

Submissions (3):

Ambry Genetics
Classification: Pathogenic for Hereditary cancer-predisposing syndrome. Last evaluated: 2024-05-14. Review status: criteria provided, single submitter. Criteria: Ambry Variant Classification Scheme 2023. Collection method: clinical testing. Allele origin: germline.
Comment: The c.4195delA pathogenic mutation, located in coding exon 11 of the BRCA1 gene, results from a deletion of one nucleotide at nucleotide position 4195, causing a translational frameshift with a predicted alternate stop codon (p.T1399Pfs*6). This variant is considered to be rare based on population cohorts in the Genome Aggregation Database (gnomAD). This alteration is expected to result in loss of function by premature protein truncation or nonsense-mediated mRNA decay. As such, this alteration is interpreted as a disease-causing mutation.

Labcorp Genetics (formerly Invitae), Labcorp
Classification: Pathogenic for Hereditary breast ovarian cancer syndrome. Last evaluated: 2023-10-31. Review status: criteria provided, single submitter. Criteria: Invitae Variant Classification Sherloc (09022015). Collection method: clinical testing. Allele origin: germline.
Comment: This sequence change creates a premature translational stop signal (p.Thr1399Profs*6) in the BRCA1 gene. It is expected to result in an absent or disrupted protein product. Loss-of-function variants in BRCA1 are known to be pathogenic (PMID: 20104584). This variant is not present in population databases (gnomAD no frequency). This variant has not been reported in the literature in individuals affected with BRCA1-related conditions. ClinVar contains an entry for this variant (Variation ID: 578874). For these reasons, this variant has been classified as Pathogenic.

GeneDx
Classification: Pathogenic. Last evaluated: 2022-08-19. Review status: criteria provided, single submitter. Criteria: GeneDx Variant Classification Process June 2021. Collection method: clinical testing. Allele origin: germline. Affected: yes.
Comment: Frameshift variant predicted to result in protein truncation or nonsense mediated decay in a gene for which loss of function is a known mechanism of disease; Not observed at significant frequency in large population cohorts (gnomAD); Truncating variants in this gene are considered pathogenic by a well-established clinical consortium and/or database; Has not been previously published as pathogenic or benign to our knowledge; Also known as 4314delA; This variant is associated with the following publications: (PMID: 20104584)

Literature cited by the submitters: PubMed 20104584 (cited by Labcorp Genetics (formerly Invitae), Labcorp).